The following is an entry in ClinVar:

ClinVar aggregate classification (germline): Pathogenic. Review status: criteria provided, multiple submitters, no conflicts (2 of 4 stars). 6 submissions from 6 submitters: Pathogenic (5). 1 of the submissions does not count toward it. Last evaluated 2025-10-21.

Conditions:
Hereditary cancer-predisposing syndrome. Also called: Neoplastic Syndromes, Hereditary; Hereditary Cancer Syndrome; Tumor predisposition; Hereditary neoplastic syndrome. Identifiers: Orphanet 140162, MedGen C0027672, MeSH D009386, MONDO:0015356.
DICER1-related tumor predisposition. Also called: DICER1-related pleuropulmonary blastoma cancer predisposition syndrome; DICER1 syndrome. Identifiers: Orphanet 284343, MedGen C3839822, MONDO:0100216.
Pleuropulmonary blastoma (PPB). Identifiers: Orphanet 64742, MedGen C1266144, MONDO:0011014, OMIM 601200, HP:0100528.

Submissions (6):

Labcorp Genetics (formerly Invitae), Labcorp
Classification: Pathogenic for DICER1-related tumor predisposition. Last evaluated: 2025-10-21. Review status: criteria provided, single submitter. Criteria: Invitae Variant Classification Sherloc (09022015). Collection method: clinical testing. Allele origin: germline.
Comment: This sequence change creates a premature translational stop signal (p.Arg544*) in the DICER1 gene. It is expected to result in an absent or disrupted protein product. Loss-of-function variants in DICER1 are known to be pathogenic (PMID: 19556464, 21266384). This variant is not present in population databases (gnomAD no frequency). This premature translational stop signal has been observed in individual(s) with pleuropulmonary blastoma (PMID: 19556464, 24909177, 26925222). This variant is also known as 1812C>T and p.R534X. ClinVar contains an entry for this variant (Variation ID: 4472). For these reasons, this variant has been classified as Pathogenic.

Ambry Genetics
Classification: Pathogenic for Hereditary cancer-predisposing syndrome. Last evaluated: 2024-03-07. Review status: criteria provided, single submitter. Criteria: Ambry Variant Classification Scheme 2023. Collection method: clinical testing. Allele origin: germline.
Comment: The p.R544* pathogenic mutation (also known as c.1630C>T), located in coding exon 9 of the DICER1 gene, results from a C to T substitution at nucleotide position 1630. This changes the amino acid from an arginine to a stop codon within coding exon 9. This alteration has been reported in individuals with pleuropulmonary blastoma and a ovarian Sertoli-Leydig cell tumor (Hill DA et al. Science, 2009 Aug;325:965; Azzollini J et al. Tumori, 2021 Dec;107:NP144-NP148). This variant is considered to be rare based on population cohorts in the Genome Aggregation Database (gnomAD). In addition to the clinical data presented in the literature, this alteration is expected to result in loss of function by premature protein truncation or nonsense-mediated mRNA decay. As such, this alteration is interpreted as a disease-causing mutation.

Foulkes Cancer Genetics LDI, Lady Davis Institute for Medical Research
Classification: Pathogenic for Pleuropulmonary blastoma. Last evaluated: 2019-07-01. Review status: criteria provided, single submitter. Criteria: ACMG Guidelines, 2015. Collection method: curation. Allele origin: germline, somatic. Affected: yes. Observed: 6 variant alleles.
Comment: ACMG criteria met: PVS1, PM2, PM7, PP4

PreventionGenetics, part of Exact Sciences
Classification: Pathogenic. Last evaluated: 2016-01-06. Review status: criteria provided, single submitter. Criteria: ACMG Guidelines, 2015. Collection method: clinical testing. Allele origin: germline.

International Pleuropulmonary Blastoma Registry, Children's Hospitals and Clinics of Minnesota
Classification: Pathogenic for Pleuropulmonary blastoma. Last evaluated: 2014-11-10. Review status: criteria provided, single submitter. Criteria: Hill et al. (Science. 2009). Collection method: clinical testing. Allele origin: germline. Affected: yes. Study: PPB-DICER1 Genetic study.

OMIM
Classification: Pathogenic for PLEUROPULMONARY BLASTOMA. Last evaluated: 2009-08-21. Review status: no assertion criteria provided. Collection method: literature only. Allele origin: germline. Not counted in ClinVar's aggregate classification.

Literature cited by the submitters: PubMed 19556464 (cited by 4 submitters); PubMed 21266384 (cited by Labcorp Genetics (formerly Invitae), Labcorp); PubMed 24909177 (cited by Labcorp Genetics (formerly Invitae), Labcorp and Foulkes Cancer Genetics LDI, Lady Davis Institute for Medical Research); PubMed 26925222 (cited by 3 submitters); PubMed 34761719 (cited by Ambry Genetics); PubMed 28862265 (cited by Foulkes Cancer Genetics LDI, Lady Davis Institute for Medical Research).

NM_177438.3(DICER1):c.1630C>T (p.Arg544Ter)

Gene: DICER1 (dicer 1, ribonuclease III; minus strand). Cytogenetic location: 14q32.13.
Variant type: single nucleotide variant.
Coding change: c.1630C>T on transcript NM_177438.3 (MANE Select); coding-DNA position 1630, C replaced by T.
Protein change: p.Arg544Ter; replaces arginine 544 with a stop codon.
Molecular consequence: nonsense.
Genome position (GRCh38, 1-based): chr14:95,116,575, G>A on the plus strand (C>T on the coding strand, the complement: DICER1 is on the minus strand). VCF-style: chr14-95116575-G-A. GRCh37 (hg19) VCF-style: chr14-95582912-G-A.
Other names: R534*; NP_803187.1:p.R544*; c.1630C>T, p.Arg544Ter (NM_001195573.1, NM_001271282.3, NM_001291628.2 and 1 more transcripts); short protein forms R544*.
Identifiers: ClinVar variation 4472 (VCV000004472.12), dbSNP rs137852979, ClinGen allele CA212583.
Genomic context (GRCh38, chr14:95,116,575, plus strand): 5'-CTAACATTATATAATTAGAGATGGGTGCCCTTGCTCTTCCTTTAGATTGAACATAGGATC[G>A]ATATTCTGTGGGCAAATCAAAACGAACCACCAAGTTGCATTTTGGTATATCAACACCCTC-3'